The following is an entry in ClinVar:

NM_002528.7(NTHL1):c.611_637delinsG (p.Val204fs)

Gene: NTHL1 (nth like DNA glycosylase 1; minus strand). Cytogenetic location: 16p13.3.
Variant type: Indel.
Coding change: c.611_637delinsG on transcript NM_002528.7 (MANE Select); coding-DNA positions 611 to 637, TGGCGCTGCCGGGTGTTGGGCCCAAGA replaced by G.
Protein change: p.Val204fs; shifts the reading frame from valine 204.
Molecular consequence: frameshift variant.
Genome position (GRCh38, 1-based): chr16:2,043,615-2,043,641, TCTTGGGCCCAACACCCGGCAGCGCCA replaced by C on the plus strand (TGGCGCTGCCGGGTGTTGGGCCCAAGA replaced by G on the coding strand, the reverse complement: NTHL1 is on the minus strand). VCF-style: chr16-2043615-TCTTGGGCCCAACACCCGGCAGCGCCA-C. GRCh37 (hg19) VCF-style: chr16-2093616-TCTTGGGCCCAACACCCGGCAGCGCCA-C.
Other names: c.440_466delinsG, p.Val147fs (NM_001318193.2); c.281_307delinsG, p.Val94fs (NM_001318194.2); short protein forms V147fs, V204fs, V94fs.
Identifiers: ClinVar variation 3408222 (VCV003408222.1).

ClinVar aggregate classification (germline): Pathogenic (1 of 4 stars; one submission).

Conditions:
Hereditary cancer-predisposing syndrome. Also called: Neoplastic Syndromes, Hereditary; Tumor predisposition; Hereditary Cancer Syndrome; Hereditary neoplastic syndrome. Identifiers: Orphanet 140162, MedGen C0027672, MeSH D009386, MONDO:0015356.

Submission:

Ambry Genetics
Classification: Pathogenic for Hereditary cancer-predisposing syndrome. Last evaluated: 2024-11-05. Review status: criteria provided, single submitter. Criteria: Ambry Variant Classification Scheme 2023. Collection method: clinical testing. Allele origin: germline.
Comment: The c.635_661del27insG pathogenic mutation, located in coding exon 4 of the NTHL1 gene, results from the deletion of 27 nucleotides and insertion of one nucleotide causing a translational frameshift with a predicted alternate stop codon (p.V212Gfs*52). This alteration occurs at the 3' terminus of theNTHL1 gene, is not expected to trigger nonsense-mediated mRNA decay, and only impacts the last 32% of the protein. However, premature stop codons are typically deleterious in nature and the impacted region is critical for protein function and a significant portion of the protein is affected (Ambry internal data). This variant is considered to be rare based on population cohorts in the Genome Aggregation Database (gnomAD). Based on the supporting evidence, this variant is interpreted as a disease-causing mutation.